The following is an entry in ClinVar:

ClinVar aggregate classification (germline): Likely benign (0 of 4 stars; one submission).

Conditions:
COL15A1-related disorder. Also called: COL15A1-related condition.

Allele frequency attached by ClinVar (database versions not stated): TOPMed 0.00002; ExAC 0.00020; 1000 Genomes Project 30x 0.00047; 1000 Genomes Project 0.00060.
gnomAD v4.1: 113 of 1,613,432 alleles (0.007%); highest among the groups gnomAD compares: South Asian, 0.1%; 2 homozygotes.

Submission:

PreventionGenetics, part of Exact Sciences
Classification: Likely benign for COL15A1-related condition. Last evaluated: 2019-05-14. Review status: no assertion criteria provided. Collection method: clinical testing. Allele origin: germline.
Comment: This variant is classified as likely benign based on ACMG/AMP sequence variant interpretation guidelines (Richards et al. 2015 PMID: 25741868, with internal and published modifications).

NM_001855.5(COL15A1):c.693C>T (p.Pro231=)

Gene: COL15A1 (collagen type XV alpha 1 chain; plus strand). Cytogenetic location: 9q22.33.
Variant type: single nucleotide variant.
Coding change: c.693C>T on transcript NM_001855.5 (MANE Select); coding-DNA position 693, C replaced by T.
Protein change: p.Pro231=; no amino-acid change (proline 231 retained).
Molecular consequence: synonymous variant.
Genome position (GRCh38, 1-based): chr9:98,987,338, C>T. VCF-style: chr9-98987338-C-T. GRCh37 (hg19) VCF-style: chr9-101749620-C-T.
Identifiers: ClinVar variation 3041458 (VCV003041458.2), dbSNP rs534707257, ClinGen allele CA5154626.